The following is an entry in ClinVar:

ClinVar aggregate classification (germline): Benign/Likely benign. Review status: criteria provided, multiple submitters, no conflicts (2 of 4 stars). 6 submissions from 6 submitters: Benign (1); Likely benign (5). Last evaluated 2026-03-01.

Conditions:
Cardiovascular phenotype. Identifiers: MedGen CN230736.
Long QT syndrome (LQTS). Identifiers: MedGen C0023976, MeSH D008133, MONDO:0002442. Disease mechanism: loss of function. Inheritance: Various modes of inheritance.

Allele frequency attached by ClinVar (database versions not stated): gnomAD exomes 0.00004 and 0.00014; ExAC 0.00021; TOPMed 0.00057; gnomAD 0.00060 and 0.00064; ESP Exome Variant Server 0.00100.
gnomAD v4.1: 159 of 1,614,134 alleles (0.0099%); highest among the groups gnomAD compares: African/African-American, 0.18%; no homozygotes.

Submissions (6):

CeGaT Center for Human Genetics Tuebingen
Classification: Likely benign. Last evaluated: 2026-03-01. Review status: criteria provided, single submitter. Criteria: CeGaT Center For Human Genetics Tuebingen Variant Classification Criteria Version 2. Collection method: clinical testing. Allele origin: germline. Affected: yes. Observed: 1 variant allele.
Comment: ANK2: BP4, BS1

Labcorp Genetics (formerly Invitae), Labcorp
Classification: Likely benign for Long QT syndrome. Last evaluated: 2025-11-21. Review status: criteria provided, single submitter. Criteria: Invitae Variant Classification Sherloc (09022015). Collection method: clinical testing. Allele origin: germline.

Women's Health and Genetics/Laboratory Corporation of America, LabCorp
Classification: Likely benign. Last evaluated: 2025-11-01. Review status: criteria provided, single submitter. Criteria: LabCorp Variant Classification Summary - May 2015. Collection method: clinical testing. Allele origin: germline.

GeneDx
Classification: Likely benign. Last evaluated: 2023-05-05. Review status: criteria provided, single submitter. Criteria: GeneDx Variant Classification Process June 2021. Collection method: clinical testing. Allele origin: germline. Affected: yes.
Comment: See Variant Classification Assertion Criteria.

ARUP Laboratories, Molecular Genetics and Genomics, ARUP Laboratories
Classification: Likely benign. Last evaluated: 2020-08-23. Review status: criteria provided, single submitter. Criteria: ARUP Molecular Germline Variant Investigation Process. Collection method: clinical testing. Allele origin: germline.

Ambry Genetics
Classification: Benign for Cardiovascular phenotype. Last evaluated: 2019-04-05. Review status: criteria provided, single submitter. Criteria: Ambry Variant Classification Scheme 2023. Collection method: clinical testing. Allele origin: germline.

Literature cited by the submitters: PubMed 30086531 (cited by Ambry Genetics).

NM_001148.6(ANK2):c.8979A>G (p.Ile2993Met)

Gene: ANK2 (ankyrin 2; plus strand). Cytogenetic location: 4q26.
Variant type: single nucleotide variant.
Coding change: c.8979A>G on transcript NM_001148.6 (MANE Select); coding-DNA position 8979, A replaced by G.
Protein change: p.Ile2993Met; replaces isoleucine 2993 with methionine.
Molecular consequence: missense variant. On other transcripts: intron variant (68).
Genome position (GRCh38, 1-based): chr4:113,357,597, A>G. VCF-style: chr4-113357597-A-G. GRCh37 (hg19) VCF-style: chr4-114278753-A-G.
Other names: c.8745A>G, p.Ile2915Met (NM_001386142.1); c.5379A>G, p.Ile1793Met (NM_001386166.1); c.9120A>G, p.Ile3040Met (NM_001386174.1); c.9096A>G, p.Ile3032Met (NM_001386175.1); c.4412-3226A>G (NM_001386186.2, NM_001386148.2); c.4214-3226A>G (NM_001354269.3); c.4292-3226A>G (NM_001386187.2); c.4253-3226A>G (NM_001386147.1); and 35 more; short protein forms I2993M, I1793M, I2915M, I3032M, I3040M.
Identifiers: ClinVar variation 969527 (VCV000969527.25), dbSNP rs112252825, ClinGen allele CA3051857.